The following is an entry in ClinVar:

NM_152564.5(VPS13B):c.291+1G>A

Gene: VPS13B (vacuolar protein sorting 13 homolog B; plus strand). Cytogenetic location: 8q22.2.
Variant type: single nucleotide variant.
Coding change: c.291+1G>A on transcript NM_152564.5 (MANE Select); the canonical splice donor site of the intron after coding-DNA position 291, G replaced by A.
Molecular consequence: splice donor variant.
Genome position (GRCh38, 1-based): chr8:99,038,567, G>A. VCF-style: chr8-99038567-G-A. GRCh37 (hg19) VCF-style: chr8-100050795-G-A.
Other names: c.291+1G>A (NM_017890.5, NM_015243.3, NM_181661.3).
Identifiers: ClinVar variation 370906 (VCV000370906.13), dbSNP rs1057516857, ClinGen allele CA16041217.

ClinVar aggregate classification (germline): Conflicting classifications of pathogenicity. Review status: criteria provided, conflicting classifications (1 of 4 stars). 3 submissions from 3 submitters: Likely pathogenic (1); Uncertain significance (1). 1 of the submissions does not count toward it. Last evaluated 2023-08-17.

Conditions:
Cohen syndrome (COH1). Also called: Cutis verticis gyrata, retinitis pigmentosa, and sensorineural deafness; PEPPER SYNDROME. Identifiers: Orphanet 193, MedGen C0265223, MONDO:0008999, OMIM 216550.

Submissions (3):

Labcorp Genetics (formerly Invitae), Labcorp
Classification: Likely pathogenic for Cohen syndrome. Last evaluated: 2023-08-17. Review status: criteria provided, single submitter. Criteria: Invitae Variant Classification Sherloc (09022015). Collection method: clinical testing. Allele origin: germline.
Comment: In summary, the currently available evidence indicates that the variant is pathogenic, but additional data are needed to prove that conclusively. Therefore, this variant has been classified as Likely Pathogenic. This variant is not present in population databases (gnomAD no frequency). This variant has not been reported in the literature in individuals affected with VPS13B-related conditions. ClinVar contains an entry for this variant (Variation ID: 370906). Algorithms developed to predict the effect of sequence changes on RNA splicing suggest that this variant may disrupt the consensus splice site. This sequence change affects a donor splice site in intron 3 of the VPS13B gene. It is expected to disrupt RNA splicing. Variants that disrupt the donor or acceptor splice site typically lead to a loss of protein function (PMID: 16199547), and loss-of-function variants in VPS13B are known to be pathogenic (PMID: 15141358, 16648375, 20461111).

Juno Genomics, Hangzhou Juno Genomics, Inc
Classification: Uncertain significance for Cohen syndrome. Review status: criteria provided, single submitter. Criteria: ACMG Guidelines, 2015. Collection method: clinical testing. Allele origin: germline.
Comment: Null variant in a gene where loss of function (LOF) is a known mechanism of disease.;Absent from controls (or at extremely low frequency if recessive) in Genome Aggregation Database.

Counsyl
Classification: Likely pathogenic for Cohen syndrome. Last evaluated: 2016-05-11. Review status: no assertion criteria provided. Collection method: clinical testing. Allele origin: unknown. Not counted in ClinVar's aggregate classification.

Literature cited by the submitters: PubMed 16199547 (cited by Labcorp Genetics (formerly Invitae), Labcorp); PubMed 15141358 (cited by Labcorp Genetics (formerly Invitae), Labcorp); PubMed 16648375 (cited by Labcorp Genetics (formerly Invitae), Labcorp); PubMed 20461111 (cited by Labcorp Genetics (formerly Invitae), Labcorp).